The following is an entry in ClinVar:

ClinVar aggregate classification (germline): Uncertain significance. Review status: criteria provided, multiple submitters, no conflicts (2 of 4 stars). 3 submissions from 3 submitters: Uncertain significance (3). Last evaluated 2024-12-06.

Conditions:
Inborn genetic diseases. Identifiers: MedGen C0950123, MeSH D030342.
Bardet-Biedl syndrome (BBS). Identifiers: Orphanet 110, MedGen C0752166, MONDO:0015229.
BBS9-related disorder. Also called: BBS9-related condition.

Allele frequency attached by ClinVar (database versions not stated): gnomAD 0.00001; gnomAD exomes 0.00001; TOPMed 0.00002.
gnomAD v4.1: 10 of 1,612,672 alleles (0.00062%); highest among the groups gnomAD compares: Non-Finnish European, 0.00076%; no homozygotes.

Submissions (3):

PreventionGenetics, part of Exact Sciences
Classification: Uncertain significance for BBS9-related condition. Last evaluated: 2024-12-06. Review status: criteria provided, single submitter. Criteria: ACMG Guidelines, 2015. Collection method: clinical testing. Allele origin: germline.
Comment: The BBS9 c.2654T>C variant is predicted to result in the amino acid substitution p.Val885Ala. To our knowledge, this variant has not been reported in the literature. This variant is reported in 0.0018% of alleles in individuals of European (Non-Finnish) descent in gnomAD. At this time, the clinical significance of this variant is uncertain due to the absence of conclusive functional and genetic evidence.

Ambry Genetics
Classification: Uncertain significance for Inborn genetic diseases. Last evaluated: 2022-11-18. Review status: criteria provided, single submitter. Criteria: Ambry Variant Classification Scheme 2023. Collection method: clinical testing. Allele origin: germline.

Labcorp Genetics (formerly Invitae), Labcorp
Classification: Uncertain significance for Bardet-Biedl syndrome. Last evaluated: 2021-08-30. Review status: criteria provided, single submitter. Criteria: Invitae Variant Classification Sherloc (09022015). Collection method: clinical testing. Allele origin: germline.
Comment: This sequence change replaces valine with alanine at codon 885 of the BBS9 protein (p.Val885Ala). The valine residue is highly conserved and there is a small physicochemical difference between valine and alanine. This variant is not present in population databases (ExAC no frequency). This variant has not been reported in the literature in individuals affected with BBS9-related conditions. Algorithms developed to predict the effect of missense changes on protein structure and function are either unavailable or do not agree on the potential impact of this missense change (SIFT: "Deleterious"; PolyPhen-2: "Benign"; Align-GVGD: "Class C0"). In summary, the available evidence is currently insufficient to determine the role of this variant in disease. Therefore, it has been classified as a Variant of Uncertain Significance.

NM_198428.3(BBS9):c.2654T>C (p.Val885Ala)

Gene: BBS9 (Bardet-Biedl syndrome 9; plus strand). Cytogenetic location: 7p14.3.
Variant type: single nucleotide variant.
Coding change: c.2654T>C on transcript NM_198428.3 (MANE Select); coding-DNA position 2654, T replaced by C.
Protein change: p.Val885Ala; replaces valine 885 with alanine.
Molecular consequence: missense variant. On other transcripts: non-coding transcript variant (3), intron variant (2).
Genome position (GRCh38, 1-based): chr7:33,605,216, T>C. VCF-style: chr7-33605216-T-C. GRCh37 (hg19) VCF-style: chr7-33644828-T-C.
Other names: c.2549T>C, p.Val850Ala (NM_001033604.2); c.2639T>C, p.Val880Ala (NM_001033605.2); c.2654T>C, p.Val885Ala (NM_001348036.1); c.2105T>C, p.Val702Ala (NM_001348037.3); c.2381T>C, p.Val794Ala (NM_001348038.3); c.2276T>C, p.Val759Ala (NM_001348039.3); c.2531T>C, p.Val844Ala (NM_001348040.3); c.2519T>C, p.Val840Ala (NM_001348042.3); and 6 more; short protein forms V728A, V759A, V850A, V763A, V880A, V884A, V702A, V845A.
Identifiers: ClinVar variation 951697 (VCV000951697.8), dbSNP rs1238854328, ClinGen allele CA367256654.